The following is an entry in ClinVar:

ClinVar aggregate classification (germline): Uncertain significance (1 of 4 stars; one submission).

Conditions:
Hereditary cancer-predisposing syndrome. Also called: Tumor predisposition; Neoplastic Syndromes, Hereditary; Hereditary Cancer Syndrome; Hereditary neoplastic syndrome. Identifiers: Orphanet 140162, MedGen C0027672, MeSH D009386, MONDO:0015356.

gnomAD v4.1: 1 of 1,613,984 alleles (0.000062%); highest among the groups gnomAD compares: Non-Finnish European, 0.000085%; no homozygotes.

Submission:

Ambry Genetics
Classification: Uncertain significance for Hereditary cancer-predisposing syndrome. Last evaluated: 2025-02-16. Review status: criteria provided, single submitter. Criteria: Ambry Variant Classification Scheme 2023. Collection method: clinical testing. Allele origin: germline.
Comment: The p.I647M variant (also known as c.1941A>G), located in coding exon 13 of the PDGFRA gene, results from an A to G substitution at nucleotide position 1941. The isoleucine at codon 647 is replaced by methionine, an amino acid with highly similar properties. This amino acid position is conserved. In addition, this alteration is predicted to be deleterious by in silico analysis. Based on the available evidence, the clinical significance of this variant remains unclear.

NM_006206.6(PDGFRA):c.1941A>G (p.Ile647Met)

Gene: PDGFRA (platelet derived growth factor receptor alpha; plus strand). Cytogenetic location: 4q12.
Variant type: single nucleotide variant.
Coding change: c.1941A>G on transcript NM_006206.6 (MANE Select); coding-DNA position 1941, A replaced by G.
Protein change: p.Ile647Met; replaces isoleucine 647 with methionine.
Molecular consequence: missense variant.
Genome position (GRCh38, 1-based): chr4:54,277,945, A>G. VCF-style: chr4-54277945-A-G. GRCh37 (hg19) VCF-style: chr4-55144112-A-G.
Other names: c.1941A>G, p.Ile647Met (NM_001347827.2, NM_001347829.2); c.2016A>G, p.Ile672Met (NM_001347828.2); c.1980A>G, p.Ile660Met (NM_001347830.2); short protein forms I647M, I672M, I660M.
Identifiers: ClinVar variation 3887369 (VCV003887369.1).